The following is an entry in ClinVar:

ClinVar aggregate classification (germline): Conflicting classifications of pathogenicity. Review status: criteria provided, conflicting classifications (1 of 4 stars). 5 submissions from 5 submitters: Uncertain significance (1); Benign (1); Likely benign (2). 1 of the submissions does not count toward it. Last evaluated 2026-05-10.

Conditions:
IQCB1-related disorder. Also called: IQCB1-related condition.
Nephronophthisis. Also called: Juvenile Nephronophthisis. Identifiers: Orphanet 655, MedGen C0687120, MONDO:0019005, HP:0000090.

Allele frequency attached by ClinVar (database versions not stated): gnomAD exomes 0.00016 and 0.00036; ExAC 0.00042; 1000 Genomes Project 30x 0.00078; 1000 Genomes Project 0.00100; gnomAD 0.00133 and 0.00143; ESP Exome Variant Server 0.00177; TOPMed 0.00179.
gnomAD v4.1: 434 of 1,614,184 alleles (0.027%); highest among the groups gnomAD compares: African/African-American, 0.52%; no homozygotes.

Submissions (5):

GeneDx
Classification: Uncertain significance. Last evaluated: 2026-05-10. Review status: criteria provided, single submitter. Criteria: GeneDx Variant Classification Process June 2021. Collection method: clinical testing. Allele origin: germline.
Comment: In silico analysis supports that this missense variant has a deleterious effect on protein structure/function; Has not been previously published as pathogenic or benign to our knowledge

Labcorp Genetics (formerly Invitae), Labcorp
Classification: Likely benign for Nephronophthisis. Last evaluated: 2026-02-01. Review status: criteria provided, single submitter. Criteria: Invitae Variant Classification Sherloc (09022015). Collection method: clinical testing. Allele origin: germline.

Blueprint Genetics
Classification: Benign. Last evaluated: 2024-09-18. Review status: criteria provided, single submitter. Criteria: ACMG Guidelines, 2015. Collection method: clinical testing. Allele origin: germline.

Breakthrough Genomics
Classification: Likely benign. Review status: criteria provided, single submitter. Criteria: ACMG Guidelines, 2015. Collection method: not provided. Allele origin: germline. Inheritance: Autosomal recessive inheritance. Affected: yes.

PreventionGenetics, part of Exact Sciences
Classification: Likely benign for IQCB1-related condition. Last evaluated: 2023-08-05. Review status: no assertion criteria provided. Collection method: clinical testing. Allele origin: germline. Not counted in ClinVar's aggregate classification.
Comment: This variant is classified as likely benign based on ACMG/AMP sequence variant interpretation guidelines (Richards et al. 2015 PMID: 25741868, with internal and published modifications).

NM_001023570.4(IQCB1):c.1703T>C (p.Leu568Pro)

Gene: IQCB1 (IQ motif containing B1; minus strand). Cytogenetic location: 3q13.33.
Variant type: single nucleotide variant.
Coding change: c.1703T>C on transcript NM_001023570.4 (MANE Select); coding-DNA position 1703, T replaced by C.
Protein change: p.Leu568Pro; replaces leucine 568 with proline.
Molecular consequence: missense variant. On other transcripts: non-coding transcript variant (1).
Genome position (GRCh38, 1-based): chr3:121,770,439, A>G on the plus strand (T>C on the coding strand, the complement: IQCB1 is on the minus strand). VCF-style: chr3-121770439-A-G. GRCh37 (hg19) VCF-style: chr3-121489286-A-G.
Other names: c.1703T>C (NM_001023570.3); c.1304T>C, p.Leu435Pro (NM_001023571.4); c.1703T>C, p.Leu568Pro (NM_001319107.2); short protein forms L435P, L568P.
Identifiers: ClinVar variation 695529 (VCV000695529.17), dbSNP rs145400780, ClinGen allele CA2567033.